The following is an entry in ClinVar:

ClinVar aggregate classification (germline): Conflicting classifications of pathogenicity. Review status: criteria provided, conflicting classifications (1 of 4 stars). 3 submissions from 3 submitters: Uncertain significance (1); Likely benign (1). 1 of the submissions does not count toward it. Last evaluated 2025-07-10.

Conditions:
EPS8L2-related disorder. Also called: EPS8L2-related condition.

Allele frequency attached by ClinVar (database versions not stated): 1000 Genomes Project 0.00020; 1000 Genomes Project 30x 0.00031; TOPMed 0.00031; gnomAD exomes 0.00037; ESP Exome Variant Server 0.00038; ExAC 0.00041; gnomAD 0.00041.
gnomAD v4.1: 783 of 1,613,698 alleles (0.049%); highest among the groups gnomAD compares: Middle Eastern, 0.066%; no homozygotes.

Submissions (3):

Labcorp Genetics (formerly Invitae), Labcorp
Classification: Likely benign. Last evaluated: 2025-07-10. Review status: criteria provided, single submitter. Criteria: Invitae Variant Classification Sherloc (09022015). Collection method: clinical testing. Allele origin: germline.

CeGaT Center for Human Genetics Tuebingen
Classification: Uncertain significance. Last evaluated: 2025-05-01. Review status: criteria provided, single submitter. Criteria: CeGaT Center For Human Genetics Tuebingen Variant Classification Criteria Version 2. Collection method: clinical testing. Allele origin: germline. Affected: yes. Observed: 1 variant allele.
Comment: EPS8L2: PM2:Supporting, BP4

PreventionGenetics, part of Exact Sciences
Classification: Likely benign for EPS8L2-related condition. Last evaluated: 2019-04-02. Review status: no assertion criteria provided. Collection method: clinical testing. Allele origin: germline. Not counted in ClinVar's aggregate classification.
Comment: This variant is classified as likely benign based on ACMG/AMP sequence variant interpretation guidelines (Richards et al. 2015 PMID: 25741868, with internal and published modifications).

NM_022772.4(EPS8L2):c.123C>T (p.Asn41=)

Gene: EPS8L2 (EPS8 signaling adaptor L2; plus strand). Cytogenetic location: 11p15.5.
Variant type: single nucleotide variant.
Coding change: c.123C>T on transcript NM_022772.4 (MANE Select); coding-DNA position 123, C replaced by T.
Protein change: p.Asn41=; no amino-acid change (asparagine 41 retained).
Molecular consequence: synonymous variant.
Genome position (GRCh38, 1-based): chr11:710,444, C>T. VCF-style: chr11-710444-C-T. GRCh37 (hg19) VCF-style: chr11-710444-C-T.
Identifiers: ClinVar variation 737066 (VCV000737066.21), dbSNP rs138277885, ClinGen allele CA5787039.